The following is an entry in ClinVar:

NM_001256007.3(PNPLA8):c.840A>G (p.Gln280=)

Gene: PNPLA8 (patatin like domain 8, phospholipase A2; minus strand). Cytogenetic location: 7q31.1.
Variant type: single nucleotide variant.
Coding change: c.840A>G on transcript NM_001256007.3 (MANE Select); coding-DNA position 840, A replaced by G.
Protein change: p.Gln280=; no amino-acid change (glutamine 280 retained).
Molecular consequence: synonymous variant.
Genome position (GRCh38, 1-based): chr7:108,514,652, T>C on the plus strand (A>G on the coding strand, the complement: PNPLA8 is on the minus strand). VCF-style: chr7-108514652-T-C. GRCh37 (hg19) VCF-style: chr7-108155096-T-C.
Other names: p.Gln280=; c.840A>G, p.Gln280= (NM_001256008.3, NM_001256009.3, NM_015723.5); c.540A>G, p.Gln180= (NM_001256010.3, NM_001256011.3).
Identifiers: ClinVar variation 2051939 (VCV002051939.5), dbSNP rs143377389, ClinGen allele CA4439743.

ClinVar aggregate classification (germline): Likely benign. Review status: criteria provided, multiple submitters, no conflicts (2 of 4 stars). 2 submissions from 2 submitters: Likely benign (2). Last evaluated 2025-11-27.

Allele frequency attached by ClinVar (database versions not stated): ExAC 0.00014; 1000 Genomes Project 0.00020; 1000 Genomes Project 30x 0.00031; gnomAD 0.00033; TOPMed 0.00036; ESP Exome Variant Server 0.00054.
gnomAD v4.1: 97 of 1,613,956 alleles (0.006%); highest among the groups gnomAD compares: African/African-American, 0.12%; no homozygotes.

Submissions (2):

Labcorp Genetics (formerly Invitae), Labcorp
Classification: Likely benign. Last evaluated: 2025-11-27. Review status: criteria provided, single submitter. Criteria: Invitae Variant Classification Sherloc (09022015). Collection method: clinical testing. Allele origin: germline.

Mayo Clinic Laboratories, Mayo Clinic
Classification: Likely benign. Last evaluated: 2025-10-30. Review status: criteria provided, single submitter. Criteria: ACMG Guidelines, 2015. Collection method: clinical testing. Allele origin: germline. Observed: 1 variant allele.
Comment: BS1, BP4, BP7